The following is an entry in ClinVar:

ClinVar aggregate classification (germline): Pathogenic. Review status: criteria provided, single submitter (1 of 4 stars). 3 submissions from 3 submitters: Pathogenic (1). 2 of the submissions do not count toward it. Last evaluated 2025-10-09.

Conditions:
Congenital secretory diarrhea, chloride type (DIAR1). Also called: DIARRHEA 1, SECRETORY CHLORIDE, CONGENITAL; CHLORIDORRHEA, CONGENITAL; CHLORIDE DIARRHEA, CONGENITAL, FINNISH TYPE. Identifiers: Orphanet 53689, MedGen C0267662, MONDO:0008964, OMIM 214700.

Allele frequency attached by ClinVar (database versions not stated): gnomAD 0.00001; gnomAD exomes 0.00001 and 0.00002; TOPMed 0.00001; ExAC 0.00002.

Submissions (3):

Labcorp Genetics (formerly Invitae), Labcorp
Classification: Pathogenic. Last evaluated: 2025-10-09. Review status: criteria provided, single submitter. Criteria: Invitae Variant Classification Sherloc (09022015). Collection method: clinical testing. Allele origin: germline.
Comment: This sequence change creates a premature translational stop signal (p.Ile115Thrfs*19) in the SLC26A3 gene. It is expected to result in an absent or disrupted protein product. Loss-of-function variants in SLC26A3 are known to be pathogenic (PMID: 9718329, 21394828). This variant is present in population databases (rs386833478, gnomAD 0.02%). This premature translational stop signal has been observed in individual(s) with congenital chloride diarrhea (PMID: 8896562, 30775050). ClinVar contains an entry for this variant (Variation ID: 55996). For these reasons, this variant has been classified as Pathogenic.

OMIM
Classification: Pathogenic for DIARRHEA 1, SECRETORY CHLORIDE, CONGENITAL. Last evaluated: 1996-11-01. Review status: no assertion criteria provided. Collection method: literature only. Allele origin: germline. Not counted in ClinVar's aggregate classification.

Juha Muilu Group; Institute for Molecular Medicine Finland (FIMM)
Classification: Likely pathogenic for Congenital secretory diarrhea, chloride type. Review status: no assertion criteria provided. Collection method: not provided. Allele origin: unknown. Not counted in ClinVar's aggregate classification.
Comment: FinDis database variant: This variant was not found or characterized by our laboratory, data were collected from public sources: see reference
ClinVar note: Converted during submission from probable-pathogenic to Likely pathogenic.

Literature cited by the submitters: PubMed 9718329 (cited by Labcorp Genetics (formerly Invitae), Labcorp); PubMed 21394828 (cited by Labcorp Genetics (formerly Invitae), Labcorp); PubMed 8896562 (cited by Labcorp Genetics (formerly Invitae), Labcorp and OMIM); PubMed 30775050 (cited by Labcorp Genetics (formerly Invitae), Labcorp).

NM_000111.3(SLC26A3):c.344del (p.Ile115fs)

Gene: SLC26A3 (solute carrier family 26 member 3; minus strand). Cytogenetic location: 7q22.3.
Variant type: Deletion.
Coding change: c.344del on transcript NM_000111.3 (MANE Select); coding-DNA position 344, one base deleted (T; older notation c.344delT).
Protein change: p.Ile115fs; shifts the reading frame from isoleucine 115.
Molecular consequence: frameshift variant.
Genome position (GRCh38, 1-based): chr7:107,791,868, A deleted on the plus strand (T on the coding strand, the reverse complement: SLC26A3 is on the minus strand). VCF-style (leftmost placement, unchanged base first): chr7-107791867-GA-G. GRCh37 (hg19) VCF-style: chr7-107432312-GA-G.
Other names: c.344delT (NM_000111.2); short protein forms I115fs.
Identifiers: ClinVar variation 55996 (VCV000055996.10), dbSNP rs386833478, ClinGen allele CA144092.